The following is an entry in ClinVar:

ClinVar aggregate classification (germline): Uncertain significance (1 of 4 stars; one submission).

Conditions:
Infantile-onset ascending hereditary spastic paralysis (IAHSP). Also called: Autosomal Recessive Juvenile Amyotrophic Lateral Sclerosis; Infantile-Onset Ascending Hereditary Spastic Paralysis (IAHSP). Identifiers: Orphanet 293168, MedGen C2931441, MONDO:0011797, OMIM 607225. Disease mechanism: loss of function.

Allele frequency attached by ClinVar (database versions not stated): gnomAD exomes 0.00001; TOPMed 0.00001; ExAC 0.00002; gnomAD 0.00002.
gnomAD v4.1: 13 of 1,613,884 alleles (0.00081%); highest among the groups gnomAD compares: East Asian, 0.0067%; no homozygotes.

Submission:

Labcorp Genetics (formerly Invitae), Labcorp
Classification: Uncertain significance for Infantile-onset ascending hereditary spastic paralysis. Last evaluated: 2021-10-05. Review status: criteria provided, single submitter. Criteria: Invitae Variant Classification Sherloc (09022015). Collection method: clinical testing. Allele origin: germline.
Comment: This sequence change replaces glycine with serine at codon 542 of the ALS2 protein (p.Gly542Ser). The glycine residue is moderately conserved and there is a small physicochemical difference between glycine and serine. This variant is present in population databases (rs778030657, ExAC 0.003%). This variant has not been reported in the literature in individuals affected with ALS2-related conditions. Algorithms developed to predict the effect of missense changes on protein structure and function are either unavailable or do not agree on the potential impact of this missense change (SIFT: "Deleterious"; PolyPhen-2: "Probably Damaging"; Align-GVGD: "Class C0"). In summary, the available evidence is currently insufficient to determine the role of this variant in disease. Therefore, it has been classified as a Variant of Uncertain Significance.

NM_020919.4(ALS2):c.1624G>A (p.Gly542Ser)

Gene: ALS2 (alsin Rho guanine nucleotide exchange factor ALS2; minus strand). Cytogenetic location: 2q33.1.
Variant type: single nucleotide variant.
Coding change: c.1624G>A on transcript NM_020919.4 (MANE Select); coding-DNA position 1624, G replaced by A.
Protein change: p.Gly542Ser; replaces glycine 542 with serine.
Molecular consequence: missense variant.
Genome position (GRCh38, 1-based): chr2:201,754,519, C>T on the plus strand (G>A on the coding strand, the complement: ALS2 is on the minus strand). VCF-style: chr2-201754519-C-T. GRCh37 (hg19) VCF-style: chr2-202619242-C-T.
Other names: short protein forms G542S.
Identifiers: ClinVar variation 662391 (VCV000662391.4), dbSNP rs778030657, ClinGen allele CA2058416.